The following is an entry in ClinVar:

NM_177438.3(DICER1):c.55C>A (p.Pro19Thr)

Gene: DICER1 (dicer 1, ribonuclease III; minus strand). Cytogenetic location: 14q32.13.
Variant type: single nucleotide variant.
Coding change: c.55C>A on transcript NM_177438.3 (MANE Select); coding-DNA position 55, C replaced by A.
Protein change: p.Pro19Thr; replaces proline 19 with threonine.
Molecular consequence: missense variant.
Genome position (GRCh38, 1-based): chr14:95,133,404, G>T on the plus strand (C>A on the coding strand, the complement: DICER1 is on the minus strand). VCF-style: chr14-95133404-G-T. GRCh37 (hg19) VCF-style: chr14-95599741-G-T.
Other names: c.55C>A, p.Pro19Thr (NM_001195573.1, NM_001271282.3, NM_001291628.2 and 1 more transcripts); short protein forms P19T.
Identifiers: ClinVar variation 412142 (VCV000412142.10), dbSNP rs1060503638, ClinGen allele CA16614733.

ClinVar aggregate classification (germline): Uncertain significance (1 of 4 stars; one submission).

Conditions:
DICER1-related tumor predisposition. Also called: DICER1-related pleuropulmonary blastoma cancer predisposition syndrome; DICER1 syndrome. Identifiers: Orphanet 284343, MedGen C3839822, MONDO:0100216.

Submission:

Labcorp Genetics (formerly Invitae), Labcorp
Classification: Uncertain significance for DICER1-related tumor predisposition. Last evaluated: 2016-12-11. Review status: criteria provided, single submitter. Criteria: Invitae Variant Classification Sherloc (09022015). Collection method: clinical testing. Allele origin: germline.
Comment: In summary, this variant is a novel missense change with uncertain impact on protein function. It has been classified as a Variant of Uncertain Significance. Algorithms developed to predict the effect of missense changes on protein structure and function do not agree on the potential impact of this missense change (SIFT: "Deleterious"; PolyPhen-2: "Probably Damaging"; Align-GVGD: "Class C0"). This variant is not present in population databases (ExAC no frequency) and has not been reported in the literature in individuals with a DICER1-related disease. This sequence change replaces proline with threonine at codon 19 of the DICER1 protein (p.Pro19Thr). The proline residue is highly conserved and there is a small physicochemical difference between proline and threonine.